The following is an entry in ClinVar:

ClinVar aggregate classification (germline): Uncertain significance. Review status: criteria provided, multiple submitters, no conflicts (2 of 4 stars). 2 submissions from 2 submitters: Uncertain significance (2). Last evaluated 2024-05-24.

Conditions:
Autosomal dominant nonsyndromic hearing loss 1. Also called: KONIGSMARK SYNDROME; DEAFNESS, AUTOSOMAL DOMINANT 1, WITH OR WITHOUT THROMBOCYTOPENIA. Identifiers: Orphanet 90635, MedGen C1852282, MONDO:0007424, OMIM 124900.
Progressive microcephaly-seizures-cortical blindness-developmental delay syndrome. Also called: Seizures, cortical blindness, and microcephaly syndrome. Identifiers: Orphanet 477814, MedGen C5567650, MONDO:0014714, OMIM 616632.
Inborn genetic diseases. Identifiers: MedGen C0950123, MeSH D030342.

gnomAD v4.1: 1 of 1,611,050 alleles (0.000062%); highest among the groups gnomAD compares: Non-Finnish European, 0.000085%; no homozygotes.

Submissions (2):

Ambry Genetics
Classification: Uncertain significance for Inborn genetic diseases. Last evaluated: 2024-05-24. Review status: criteria provided, single submitter. Criteria: Ambry Variant Classification Scheme 2023. Collection method: clinical testing. Allele origin: germline.

Labcorp Genetics (formerly Invitae), Labcorp
Classification: Uncertain significance for Progressive microcephaly-seizures-cortical blindness-developmental delay syndrome; Autosomal dominant nonsyndromic hearing loss 1. Last evaluated: 2021-08-23. Review status: criteria provided, single submitter. Criteria: Invitae Variant Classification Sherloc (09022015). Collection method: clinical testing. Allele origin: germline.
Comment: This sequence change replaces lysine with glutamic acid at codon 824 of the DIAPH1 protein (p.Lys824Glu). The lysine residue is moderately conserved and there is a small physicochemical difference between lysine and glutamic acid. This variant is not present in population databases (ExAC no frequency). This variant has not been reported in the literature in individuals affected with DIAPH1-related conditions. Algorithms developed to predict the effect of missense changes on protein structure and function are either unavailable or do not agree on the potential impact of this missense change (SIFT: "Deleterious"; PolyPhen-2: "Probably Damaging"; Align-GVGD: "Class C0"). In summary, the available evidence is currently insufficient to determine the role of this variant in disease. Therefore, it has been classified as a Variant of Uncertain Significance.

NM_005219.5(DIAPH1):c.2470A>G (p.Lys824Glu)

Gene: DIAPH1 (diaphanous related formin 1; minus strand). Cytogenetic location: 5q31.3.
Variant type: single nucleotide variant.
Coding change: c.2470A>G on transcript NM_005219.5 (MANE Select); coding-DNA position 2470, A replaced by G.
Protein change: p.Lys824Glu; replaces lysine 824 with glutamic acid.
Molecular consequence: missense variant.
Genome position (GRCh38, 1-based): chr5:141,571,929, T>C on the plus strand (A>G on the coding strand, the complement: DIAPH1 is on the minus strand). VCF-style: chr5-141571929-T-C. GRCh37 (hg19) VCF-style: chr5-140951496-T-C.
Other names: c.2443A>G, p.Lys815Glu (NM_001079812.3); c.2470A>G, p.Lys824Glu (NM_001314007.2); c.2470A>G (NM_005219.4); short protein forms K824E, K815E.
Identifiers: ClinVar variation 1413066 (VCV001413066.7), dbSNP rs2154596200, ClinGen allele CA361512695.